The following is an entry in ClinVar:

NM_000260.4(MYO7A):c.5743-12_5743-10delinsCGG

Gene: MYO7A (myosin VIIA; plus strand). Cytogenetic location: 11q13.5.
Variant type: Indel.
Coding change: c.5743-12_5743-10delinsCGG on transcript NM_000260.4 (MANE Select); 12 bases into the intron before coding-DNA position 5743 through 10 bases into the intron before coding-DNA position 5743, TGC replaced by CGG.
Molecular consequence: intron variant.
Genome position (GRCh38, 1-based): chr11:77,207,277-77,207,279, TGC replaced by CGG. VCF-style: chr11-77207277-TGC-CGG. GRCh37 (hg19) VCF-style: chr11-76918322-TGC-CGG.
Other names: c.5596-12_5596-10delinsCGG (NM_001369365.1); c.5629-12_5629-10delinsCGG (NM_001127180.2).
Identifiers: ClinVar variation 3365206 (VCV003365206.1).
Genomic context (GRCh38, chr11:77,207,277, plus strand): 5'-GCCAGAGGGGCCCGGGAGGACCAGGTCCCGGGAAAGGCCCTGCAGGAGCCCAGTGCTCAC[TGC>CGG]CCCTCCCAGGCCTTCGAAGTGGAGTCCAGCACCAAGGCCAAGGACTTCTGCCAGAACATC-3'

ClinVar aggregate classification (germline): Uncertain significance (1 of 4 stars; one submission).

Submission:

GeneDx
Classification: Uncertain significance. Last evaluated: 2023-11-30. Review status: criteria provided, single submitter. Criteria: GeneDx Variant Classification Process June 2021. Collection method: clinical testing. Allele origin: germline. Affected: yes.
Comment: In silico analysis supports a deleterious effect on splicing; Has not been previously published as pathogenic or benign to our knowledge